The following is an entry in ClinVar:

NM_001184.4(ATR):c.6127G>A (p.Ala2043Thr)

Genes: ATR (ATR serine/threonine kinase; minus strand), LOC126806830 (BRD4-independent group 4 enhancer GRCh37_chr3:142203676-142204875; plus strand). Cytogenetic location: 3q23.
Variant type: single nucleotide variant.
Coding change: c.6127G>A on transcript NM_001184.4 (MANE Select); coding-DNA position 6127, G replaced by A.
Protein change: p.Ala2043Thr; replaces alanine 2043 with threonine.
Molecular consequence: missense variant.
Genome position (GRCh38, 1-based): chr3:142,485,234, C>T on the plus strand (G>A on the coding strand, the complement: ATR is on the minus strand). VCF-style: chr3-142485234-C-T. GRCh37 (hg19) VCF-style: chr3-142204076-C-T.
Other names: c.5935G>A, p.Ala1979Thr (NM_001354579.2); short protein forms A1979T, A2043T.
Identifiers: ClinVar variation 3331715 (VCV003331715.1).

ClinVar aggregate classification (germline): Uncertain significance (1 of 4 stars; one submission).

Conditions:
Inborn genetic diseases. Identifiers: MedGen C0950123, MeSH D030342.

Submission:

Ambry Genetics
Classification: Uncertain significance for Inborn genetic diseases. Last evaluated: 2024-04-24. Review status: criteria provided, single submitter. Criteria: Ambry Variant Classification Scheme 2023. Collection method: clinical testing. Allele origin: germline.
Comment: The p.A2043T variant (also known as c.6127G>A), located in coding exon 36 of the ATR gene, results from a G to A substitution at nucleotide position 6127. The alanine at codon 2043 is replaced by threonine, an amino acid with similar properties. This amino acid position is conserved. In addition, this alteration is predicted to be deleterious by in silico analysis. Based on the available evidence, the clinical significance of this variant remains unclear.